The following is an entry in ClinVar:

ClinVar aggregate classification (germline): Pathogenic (1 of 4 stars; one submission).

Conditions:
DICER1-related tumor predisposition. Also called: DICER1-related pleuropulmonary blastoma cancer predisposition syndrome; DICER1 syndrome. Identifiers: Orphanet 284343, MedGen C3839822, MONDO:0100216.

Submission:

Foulkes Cancer Genetics LDI, Lady Davis Institute for Medical Research
Classification: Pathogenic for Pleuropulmonary blastoma. Last evaluated: 2019-07-01. Review status: criteria provided, single submitter. Criteria: ACMG Guidelines, 2015. Collection method: curation. Allele origin: somatic. Affected: yes. Observed: 1 variant allele.
Comment: ACMG criteria met: PVS1, PM2, PP4

Literature cited by the submitters: PubMed 22187960.

NM_177438.3(DICER1):c.3237_3238insCCAGCAT (p.Val1080fs)

Gene: DICER1 (dicer 1, ribonuclease III; minus strand). Cytogenetic location: 14q32.13.
Variant type: Insertion.
Coding change: c.3237_3238insCCAGCAT on transcript NM_177438.3 (MANE Select); coding-DNA positions 3237 to 3238, CCAGCAT inserted.
Protein change: p.Val1080fs; shifts the reading frame from valine 1080.
Molecular consequence: frameshift variant.
Genome position: GRCh38 VCF-style: chr14-95105102-C-CATGCTGG. GRCh37 (hg19) VCF-style: chr14-95571439-C-CATGCTGG.
Other names: c.3237_3238insCCAGCAT, p.Val1080fs (NM_001195573.1, NM_001271282.3, NM_001291628.2 and 1 more transcripts); short protein forms V1080fs.
Identifiers: ClinVar variation 933113 (VCV000933113.3), dbSNP rs1891292616, ClinGen allele CA1139663638.